The following is an entry in ClinVar:

ClinVar aggregate classification (germline): Uncertain significance (1 of 4 stars; one submission).

Conditions:
COG7 congenital disorder of glycosylation (CDG2E). Also called: CDG IIe; CONGENITAL DISORDER OF GLYCOSYLATION, TYPE IIe. Identifiers: Orphanet 79333, MedGen C2931010, MONDO:0012118, OMIM 608779.

Allele frequency attached by ClinVar (database versions not stated): gnomAD exomes below 0.00001.
gnomAD v4.1: 2 of 1,613,376 alleles (0.00012%); highest among the groups gnomAD compares: Admixed American, 0.0017%; no homozygotes.

Submission:

Labcorp Genetics (formerly Invitae), Labcorp
Classification: Uncertain significance for COG7 congenital disorder of glycosylation. Last evaluated: 2025-08-11. Review status: criteria provided, single submitter. Criteria: Invitae Variant Classification Sherloc (09022015). Collection method: clinical testing. Allele origin: germline.
Comment: This sequence change replaces leucine, which is neutral and non-polar, with proline, which is neutral and non-polar, at codon 282 of the COG7 protein (p.Leu282Pro). This variant is not present in population databases (gnomAD no frequency). This variant has not been reported in the literature in individuals affected with COG7-related conditions. ClinVar contains an entry for this variant (Variation ID: 2878691). Invitae Evidence Modeling of protein sequence and biophysical properties (such as structural, functional, and spatial information, amino acid conservation, physicochemical variation, residue mobility, and thermodynamic stability) indicates that this missense variant is expected to disrupt COG7 protein function with a positive predictive value of 80%. In summary, the available evidence is currently insufficient to determine the role of this variant in disease. Therefore, it has been classified as a Variant of Uncertain Significance.

NM_153603.4(COG7):c.845T>C (p.Leu282Pro)

Gene: COG7 (component of oligomeric golgi complex 7; minus strand). Cytogenetic location: 16p12.2.
Variant type: single nucleotide variant.
Coding change: c.845T>C on transcript NM_153603.4 (MANE Select); coding-DNA position 845, T replaced by C.
Protein change: p.Leu282Pro; replaces leucine 282 with proline.
Molecular consequence: missense variant.
Genome position (GRCh38, 1-based): chr16:23,424,913, A>G on the plus strand (T>C on the coding strand, the complement: COG7 is on the minus strand). VCF-style: chr16-23424913-A-G. GRCh37 (hg19) VCF-style: chr16-23436234-A-G.
Other names: short protein forms L282P.
Identifiers: ClinVar variation 2878691 (VCV002878691.3), dbSNP rs2506619674, ClinGen allele CA395121567.